The following is an entry in ClinVar:

ClinVar aggregate classification (germline): Conflicting classifications of pathogenicity. Review status: criteria provided, conflicting classifications (1 of 4 stars). 4 submissions from 4 submitters: Uncertain significance (3); Benign (1). Last evaluated 2025-12-18.

Conditions:
SETX-related disorder. Also called: SETX-related condition; SETX-related disorders. Identifiers: MedGen CN239403.
Amyotrophic lateral sclerosis type 4 (ALS4). Also called: AMYOTROPHIC LATERAL SCLEROSIS 4, JUVENILE; NEURONOPATHY, DISTAL HEREDITARY MOTOR, WITH PYRAMIDAL FEATURES. Identifiers: Orphanet 357043, MedGen C1865409, MONDO:0011223, OMIM 602433.
Spinocerebellar ataxia, autosomal recessive, with axonal neuropathy 2 (SCAN2). Also called: ATAXIA-OCULOMOTOR APRAXIA 2; Ataxia with Oculomotor Apraxia; Ataxia with Oculomotor Apraxia Type 2; Ataxia-ocular apraxia-2. Identifiers: Orphanet 64753, MedGen C1853761, MONDO:0018996, OMIM 606002.

Allele frequency attached by ClinVar (database versions not stated): gnomAD exomes 0.00002 and 0.00005; gnomAD 0.00003; TOPMed 0.00003; ESP Exome Variant Server 0.00008; ExAC 0.00009.
gnomAD v4.1: 37 of 1,613,332 alleles (0.0023%); highest among the groups gnomAD compares: Non-Finnish European, 0.0029%; no homozygotes.

Submissions (4):

PreventionGenetics, part of Exact Sciences
Classification: Uncertain significance for SETX-related condition. Last evaluated: 2025-12-18. Review status: criteria provided, single submitter. Criteria: ACMG Guidelines, 2015. Collection method: clinical testing. Allele origin: germline.
Comment: The SETX c.2045A>G variant is predicted to result in the amino acid substitution p.His682Arg. To our knowledge, this variant has not been reported in the literature. This variant is reported in 0.011% of alleles in individuals of European (non-Finnish) descent in gnomAD. At this time, the clinical significance of this variant is uncertain due to the absence of conclusive functional and genetic evidence.

Mayo Clinic Laboratories, Mayo Clinic
Classification: Uncertain significance. Last evaluated: 2025-02-10. Review status: criteria provided, single submitter. Criteria: ACMG Guidelines, 2015. Collection method: clinical testing. Allele origin: germline. Observed: 1 variant allele.
Comment: BP4

Labcorp Genetics (formerly Invitae), Labcorp
Classification: Benign for Amyotrophic lateral sclerosis type 4; Spinocerebellar ataxia, autosomal recessive, with axonal neuropathy 2. Last evaluated: 2024-05-10. Review status: criteria provided, single submitter. Criteria: Invitae Variant Classification Sherloc (09022015). Collection method: clinical testing. Allele origin: germline.

CeGaT Center for Human Genetics Tuebingen
Classification: Uncertain significance. Last evaluated: 2021-09-01. Review status: criteria provided, single submitter. Criteria: CeGaT Center For Human Genetics Tuebingen Variant Classification Criteria Version 2. Collection method: clinical testing. Allele origin: germline. Affected: yes. Observed: 1 variant allele.

NM_015046.7(SETX):c.2045A>G (p.His682Arg)

Gene: SETX (senataxin; minus strand). Cytogenetic location: 9q34.13.
Variant type: single nucleotide variant.
Coding change: c.2045A>G on transcript NM_015046.7 (MANE Select); coding-DNA position 2045, A replaced by G.
Protein change: p.His682Arg; replaces histidine 682 with arginine.
Molecular consequence: missense variant.
Genome position (GRCh38, 1-based): chr9:132,329,553, T>C on the plus strand (A>G on the coding strand, the complement: SETX is on the minus strand). VCF-style: chr9-132329553-T-C. GRCh37 (hg19) VCF-style: chr9-135204940-T-C.
Other names: p.His682Arg; c.2045A>G, p.His682Arg (NM_001351527.2, NM_001351528.2); c.2045A>G (NM_015046.5); short protein forms H682R.
Identifiers: ClinVar variation 1299160 (VCV001299160.38), dbSNP rs373850132, ClinGen allele CA5297673.